The following is an entry in ClinVar:

ClinVar aggregate classification (germline): Uncertain significance (1 of 4 stars; one submission).

Conditions:
Norman-Roberts syndrome (LIS2). Also called: Lissencephaly 2 (Norman-Roberts type). Identifiers: Orphanet 89844, MedGen C0796089, MONDO:0009760, OMIM 257320.
Familial temporal lobe epilepsy 7. Identifiers: Orphanet 101046, MedGen C4225327, MONDO:0014639, OMIM 616436.

gnomAD v4.1: 7 of 1,613,840 alleles (0.00043%); highest among the groups gnomAD compares: South Asian, 0.0044%; no homozygotes.

Submission:

Labcorp Genetics (formerly Invitae), Labcorp
Classification: Uncertain significance for Familial temporal lobe epilepsy 7; Norman-Roberts syndrome. Last evaluated: 2024-06-18. Review status: criteria provided, single submitter. Criteria: Invitae Variant Classification Sherloc (09022015). Collection method: clinical testing. Allele origin: germline.
Comment: This sequence change replaces isoleucine, which is neutral and non-polar, with valine, which is neutral and non-polar, at codon 1087 of the RELN protein (p.Ile1087Val). This variant is present in population databases (no rsID available, gnomAD 0.003%). This variant has not been reported in the literature in individuals affected with RELN-related conditions. ClinVar contains an entry for this variant (Variation ID: 837328). Advanced modeling of protein sequence and biophysical properties (such as structural, functional, and spatial information, amino acid conservation, physicochemical variation, residue mobility, and thermodynamic stability) performed at Invitae indicates that this missense variant is not expected to disrupt RELN protein function with a negative predictive value of 80%. In summary, the available evidence is currently insufficient to determine the role of this variant in disease. Therefore, it has been classified as a Variant of Uncertain Significance.

NM_005045.4(RELN):c.3259A>G (p.Ile1087Val)

Gene: RELN (reelin; minus strand). Cytogenetic location: 7q22.1.
Variant type: single nucleotide variant.
Coding change: c.3259A>G on transcript NM_005045.4 (MANE Select); coding-DNA position 3259, A replaced by G.
Protein change: p.Ile1087Val; replaces isoleucine 1087 with valine.
Molecular consequence: missense variant.
Genome position (GRCh38, 1-based): chr7:103,603,378, T>C on the plus strand (A>G on the coding strand, the complement: RELN is on the minus strand). VCF-style: chr7-103603378-T-C. GRCh37 (hg19) VCF-style: chr7-103243825-T-C.
Other names: c.3259A>G, p.Ile1087Val (NM_173054.3); short protein forms I1087V.
Identifiers: ClinVar variation 837328 (VCV000837328.9), dbSNP rs1243933034, ClinGen allele CA368763033.
Genomic context (GRCh38, chr7:103,603,378, plus strand): 5'-GAGATGATCCAGAAGAGATGACACCACACCCTTGTTCTGGTTTTACAATTTCTCCCCCAA[T>C]AACTTCTTGCCAGTCAGACTCCCAGCCATTCTGGTTCTCAAAATCTGACATAATTGTGGA-3'
Protein context (NP_005036.2, residues 1077-1097): NGWESDWQEV[Ile1087Val]GGEIVKPEQG